The following is an entry in ClinVar:

ClinVar aggregate classification (germline): Likely benign. Review status: criteria provided, single submitter (1 of 4 stars). 2 submissions from 2 submitters: Likely benign (1). 1 of the submissions does not count toward it. Last evaluated 2024-10-24.

Conditions:
ERMARD-related disorder. Also called: ERMARD-related condition.

Allele frequency attached by ClinVar (database versions not stated): TOPMed 0.00001; gnomAD 0.00006; ExAC 0.00026; 1000 Genomes Project 30x 0.00062; 1000 Genomes Project 0.00080.
gnomAD v4.1: 143 of 1,613,930 alleles (0.0089%); highest among the groups gnomAD compares: South Asian, 0.14%; 1 homozygote.

Submissions (2):

Labcorp Genetics (formerly Invitae), Labcorp
Classification: Likely benign. Last evaluated: 2024-10-24. Review status: criteria provided, single submitter. Criteria: Invitae Variant Classification Sherloc (09022015). Collection method: clinical testing. Allele origin: germline.

PreventionGenetics, part of Exact Sciences
Classification: Likely benign for ERMARD-related condition. Last evaluated: 2019-06-17. Review status: no assertion criteria provided. Collection method: clinical testing. Allele origin: germline. Not counted in ClinVar's aggregate classification.
Comment: This variant is classified as likely benign based on ACMG/AMP sequence variant interpretation guidelines (Richards et al. 2015 PMID: 25741868, with internal and published modifications).

NM_018341.3(ERMARD):c.201C>T (p.Ser67=)

Gene: ERMARD (ER membrane associated RNA degradation; plus strand). Cytogenetic location: 6q27.
Variant type: single nucleotide variant.
Coding change: c.201C>T on transcript NM_018341.3 (MANE Select); coding-DNA position 201, C replaced by T.
Protein change: p.Ser67=; no amino-acid change (serine 67 retained).
Molecular consequence: synonymous variant. On other transcripts: 5 prime UTR variant (2).
Genome position (GRCh38, 1-based): chr6:169,755,308, C>T. VCF-style: chr6-169755308-C-T. GRCh37 (hg19) VCF-style: chr6-170155404-C-T.
Other names: c.201C>T, p.Ser67= (NM_001278531.2, NM_001278533.2); c.-178C>T (NM_001278532.2, NM_001410957.1); c.201C>T (NM_018341.2).
Identifiers: ClinVar variation 2970560 (VCV002970560.5), dbSNP rs527584203, ClinGen allele CA4105770.